The following is an entry in ClinVar:

NM_177438.3(DICER1):c.5506C>T (p.Pro1836Ser)

Gene: DICER1 (dicer 1, ribonuclease III; minus strand). Cytogenetic location: 14q32.13.
Variant type: single nucleotide variant.
Coding change: c.5506C>T on transcript NM_177438.3 (MANE Select); coding-DNA position 5506, C replaced by T.
Protein change: p.Pro1836Ser; replaces proline 1836 with serine.
Molecular consequence: missense variant. On other transcripts: non-coding transcript variant (6), intron variant (1).
Genome position (GRCh38, 1-based): chr14:95,091,224, G>A on the plus strand (C>T on the coding strand, the complement: DICER1 is on the minus strand). VCF-style: chr14-95091224-G-A. GRCh37 (hg19) VCF-style: chr14-95557561-G-A.
Other names: c.5506C>T, p.Pro1836Ser (NM_001395684.1, NM_030621.4, NM_001271282.3 and 7 more transcripts); c.5224C>T, p.Pro1742Ser (NM_001395686.1); c.5101C>T, p.Pro1701Ser (NM_001395687.1, NM_001395688.1, NM_001395689.1 and 1 more transcripts); c.4939C>T, p.Pro1647Ser (NM_001395691.1); c.3823C>T, p.Pro1275Ser (NM_001395697.1); c.5365-115C>T (NM_001195573.1); short protein forms P1647S, P1742S, P1275S, P1701S, P1836S.
Identifiers: ClinVar variation 3714053 (VCV003714053.2).

ClinVar aggregate classification (germline): Uncertain significance (1 of 4 stars; one submission).

Conditions:
DICER1-related tumor predisposition. Also called: DICER1 syndrome; DICER1-related pleuropulmonary blastoma cancer predisposition syndrome. Identifiers: Orphanet 284343, MedGen C3839822, MONDO:0100216.

Submission:

Labcorp Genetics (formerly Invitae), Labcorp
Classification: Uncertain significance for DICER1-related tumor predisposition. Last evaluated: 2024-02-16. Review status: criteria provided, single submitter. Criteria: Invitae Variant Classification Sherloc (09022015). Collection method: clinical testing. Allele origin: germline.
Comment: This sequence change replaces proline, which is neutral and non-polar, with serine, which is neutral and polar, at codon 1836 of the DICER1 protein (p.Pro1836Ser). This variant is not present in population databases (gnomAD no frequency). This variant has not been reported in the literature in individuals affected with DICER1-related conditions. An algorithm developed to predict the effect of missense changes on protein structure and function (PolyPhen-2) suggests that this variant is likely to be disruptive. In summary, the available evidence is currently insufficient to determine the role of this variant in disease. Therefore, it has been classified as a Variant of Uncertain Significance.